The following is an entry in ClinVar:

ClinVar aggregate classification (germline): Uncertain significance (1 of 4 stars; one submission).

gnomAD v4.1: 7 of 1,614,234 alleles (0.00043%); highest among the groups gnomAD compares: Non-Finnish European, 0.00059%; no homozygotes.

Submission:

GeneDx
Classification: Uncertain significance. Last evaluated: 2022-04-03. Review status: criteria provided, single submitter. Criteria: GeneDx Variant Classification Process June 2021. Collection method: clinical testing. Allele origin: germline. Affected: yes.
Comment: Not observed at significant frequency in large population cohorts (gnomAD); In silico analysis supports that this missense variant has a deleterious effect on protein structure/function; Has not been previously published as pathogenic or benign to our knowledge; This variant is associated with the following publications: (PMID: 12070251)

NM_004380.3(CREBBP):c.4718A>G (p.Glu1573Gly)

Gene: CREBBP (CREB binding protein; minus strand). Cytogenetic location: 16p13.3.
Variant type: single nucleotide variant.
Coding change: c.4718A>G on transcript NM_004380.3 (MANE Select); coding-DNA position 4718, A replaced by G.
Protein change: p.Glu1573Gly; replaces glutamic acid 1573 with glycine.
Molecular consequence: missense variant.
Genome position (GRCh38, 1-based): chr16:3,736,046, T>C on the plus strand (A>G on the coding strand, the complement: CREBBP is on the minus strand). VCF-style: chr16-3736046-T-C. GRCh37 (hg19) VCF-style: chr16-3786047-T-C.
Other names: c.4604A>G, p.Glu1535Gly (NM_001079846.1); short protein forms E1535G, E1573G.
Identifiers: ClinVar variation 1707844 (VCV001707844.2), dbSNP rs1482422459, ClinGen allele CA394561918.